The following is an entry in ClinVar:

NM_003242.6(TGFBR2):c.1583G>T (p.Arg528Leu)

Gene: TGFBR2 (transforming growth factor beta receptor 2; plus strand). Cytogenetic location: 3p24.1.
Variant type: single nucleotide variant.
Coding change: c.1583G>T on transcript NM_003242.6 (MANE Select); coding-DNA position 1583, G replaced by T.
Protein change: p.Arg528Leu; replaces arginine 528 with leucine.
Molecular consequence: missense variant.
Genome position (GRCh38, 1-based): chr3:30,691,478, G>T. VCF-style: chr3-30691478-G-T. GRCh37 (hg19) VCF-style: chr3-30732970-G-T.
Other names: c.1658G>T, p.Arg553Leu (NM_001024847.3); c.1766G>T, p.Arg589Leu (NM_001407126.1); c.1691G>T, p.Arg564Leu (NM_001407127.1); c.1610G>T, p.Arg537Leu (NM_001407128.1); c.1586G>T, p.Arg529Leu (NM_001407129.1); c.1580G>T, p.Arg527Leu (NM_001407130.1); c.1478G>T, p.Arg493Leu (NM_001407132.1, NM_001407133.1, NM_001407134.1 and 2 more transcripts); c.1298G>T, p.Arg433Leu (NM_001407137.1); and 2 more; short protein forms R529L, R527L, R537L, R493L, R564L, R589L, R238L, R408L.
Identifiers: ClinVar variation 3572854 (VCV003572854.1).

ClinVar aggregate classification (germline): Pathogenic (1 of 4 stars; one submission).

Conditions:
Loeys-Dietz syndrome 2 (LDS2). Also called: TGFBR2-Related Loeys-Dietz Syndrome; AORTIC ANEURYSM, FAMILIAL THORACIC 3; MARFAN SYNDROME, TYPE II; Marfan syndrome, type 2 (formerly); Marfan Syndrome type 2; Marfan like connective tissue disorder. Identifiers: Orphanet 284973, Orphanet 558, MedGen C2674574, MONDO:0012427, OMIM 610168.

Submission:

Clinical Genomics Laboratory, Stanford Medicine
Classification: Pathogenic for Loeys-Dietz syndrome 2. Last evaluated: 2022-12-22. Review status: criteria provided, single submitter. Criteria: ACMG Guidelines, 2015. Collection method: clinical testing. Allele origin: de novo. Inheritance: Autosomal dominant inheritance. Affected: yes. Observed: 1 variant allele, 1 heterozygote.
Comment: Additionally, different amino acid changes at this residue have been previously reported in individuals with Loeys-Dietz syndrome including p.Arg528Cys, p.Arg528His, and p.Arg528Pro (Akazawa et al., 2015; Horbelt et al., 2010; Jamsheer et al., 2009; Kuppler et al., 2012). This variant was absent from large population databases, including the Genome Aggregation Database. The arginine at position 528 is strongly evolutionarily conserved. This amino acid is located in the highly conserved serine-threonine kinase domain of the TGFBR2 protein, which has been suggested to be a domain enriched for disease-associated variants (Loeys et al., 2006; Pannu et al., 2005; Singh et al., 2006). Computational tools predict that the p.Arg528Leu variant is deleterious; however, the accuracy of in silico algorithms is limited. These data were assessed using the ACMG/AMP variant interpretation guidelines. In summary, there is sufficient evidence to classify the p.Arg528Leu variant as pathogenic for Loeys-Dietz syndrome in an autosomal dominant manner based on the information above. [ACMG evidence codes used: PS2; PM1; PM2; PM5; PP3]

Literature cited by the submitters: PubMed 26096872; PubMed 21098638; PubMed 19875893; PubMed 22488992; PubMed 16928994; PubMed 16027248; PubMed 16799921.